The following is an entry in ClinVar:

NM_001848.3(COL6A1):c.860G>A (p.Gly287Glu)

Gene: COL6A1 (collagen type VI alpha 1 chain; plus strand). Cytogenetic location: 21q22.3.
Variant type: single nucleotide variant.
Coding change: c.860G>A on transcript NM_001848.3 (MANE Select); coding-DNA position 860, G replaced by A.
Protein change: p.Gly287Glu; replaces glycine 287 with glutamic acid.
Molecular consequence: missense variant.
Genome position (GRCh38, 1-based): chr21:45,989,609, G>A. VCF-style: chr21-45989609-G-A. GRCh37 (hg19) VCF-style: chr21-47409523-G-A.
Other names: short protein forms G287E.
Identifiers: ClinVar variation 837724 (VCV000837724.12), dbSNP rs2077761954, ClinGen allele CA410521718.

ClinVar aggregate classification (germline): Conflicting classifications of pathogenicity. Review status: criteria provided, conflicting classifications (1 of 4 stars). 3 submissions from 3 submitters: Pathogenic (2); Uncertain significance (1). Last evaluated 2024-03-25.

Conditions:
COL6A1-related disorder. Also called: COL6A1-related condition.
Ullrich congenital muscular dystrophy 1A. Also called: Intermediate COL6-RD; Ullrich congenital muscular dystrophy 1. Identifiers: Orphanet 75840, MedGen C0410179, MONDO:0009681, OMIM 254090.
Bethlem myopathy 1A. Also called: MYOPATHY, BENIGN CONGENITAL, WITH CONTRACTURES; Bethlem Muscular Dystrophy; Bethlem myopathy 1. Identifiers: Orphanet 610, MedGen CN029274, MONDO:0024530, OMIM 158810.

Submissions (3):

Genomic Medicine Center of Excellence, King Faisal Specialist Hospital and Research Centre
Classification: Uncertain significance for Ullrich congenital muscular dystrophy 1A. Last evaluated: 2024-03-25. Review status: criteria provided, single submitter. Criteria: ACMG Guidelines, 2015. Collection method: clinical testing. Allele origin: germline.

Blueprint Genetics
Classification: Pathogenic for COL6A1-related disorders. Last evaluated: 2023-02-17. Review status: criteria provided, single submitter. Criteria: ACMG Guidelines, 2015. Collection method: clinical testing. Allele origin: germline. Affected: yes. Observed: 1 variant allele.

Labcorp Genetics (formerly Invitae), Labcorp
Classification: Pathogenic for Bethlem myopathy 1A. Last evaluated: 2022-06-04. Review status: criteria provided, single submitter. Criteria: Invitae Variant Classification Sherloc (09022015). Collection method: clinical testing. Allele origin: germline.
Comment: For these reasons, this variant has been classified as Pathogenic. This variant disrupts the p.Gly287 amino acid residue in COL6A1. Other variant(s) that disrupt this residue have been observed in individuals with COL6A1-related conditions (PMID: 20976770, 27447704), which suggests that this may be a clinically significant amino acid residue. This variant disrupts the triple helix domain of COL6A1. Glycine residues within the Gly-Xaa-Yaa repeats of the triple helix domain are required for the structure and stability of fibrillar collagens (PMID: 7695699, 8218237, 19344236). In COL6A1, variants at these glycine residues are significantly enriched in individuals with autosomal dominant disease (PMID: 15689448, 24038877) compared to the general population (ExAC). Algorithms developed to predict the effect of missense changes on protein structure and function are either unavailable or do not agree on the potential impact of this missense change (SIFT: "Deleterious"; PolyPhen-2: "Not Available"; Align-GVGD: "Class C65"). ClinVar contains an entry for this variant (Variation ID: 837724). This missense change has been observed in individual(s) with clinical features of type VI collagenopathies (Invitae). This variant is not present in population databases (gnomAD no frequency). This sequence change replaces glycine, which is neutral and non-polar, with glutamic acid, which is acidic and polar, at codon 287 of the COL6A1 protein (p.Gly287Glu).

Literature cited by the submitters: PubMed 20976770 (cited by Labcorp Genetics (formerly Invitae), Labcorp); PubMed 27447704 (cited by Labcorp Genetics (formerly Invitae), Labcorp); PubMed 7695699 (cited by Labcorp Genetics (formerly Invitae), Labcorp); PubMed 8218237 (cited by Labcorp Genetics (formerly Invitae), Labcorp); PubMed 19344236 (cited by Labcorp Genetics (formerly Invitae), Labcorp); PubMed 15689448 (cited by Labcorp Genetics (formerly Invitae), Labcorp); PubMed 24038877 (cited by Labcorp Genetics (formerly Invitae), Labcorp).